The following is an entry in ClinVar:

NM_022489.4(INF2):c.1270C>G (p.Pro424Ala)

Gene: INF2 (inverted formin 2; plus strand). Cytogenetic location: 14q32.33.
Variant type: single nucleotide variant.
Coding change: c.1270C>G on transcript NM_022489.4 (MANE Select); coding-DNA position 1270, C replaced by G.
Protein change: p.Pro424Ala; replaces proline 424 with alanine.
Molecular consequence: missense variant.
Genome position (GRCh38, 1-based): chr14:104,707,537, C>G. VCF-style: chr14-104707537-C-G. GRCh37 (hg19) VCF-style: chr14-105173874-C-G.
Other names: c.1270C>G, p.Pro424Ala (NM_001031714.4, NM_001426862.1, NM_001426863.1 and 2 more transcripts); short protein forms P424A.
Identifiers: ClinVar variation 2934937 (VCV002934937.3), dbSNP rs2541918836, ClinGen allele CA391216406.

ClinVar aggregate classification (germline): Uncertain significance (1 of 4 stars; one submission).

Conditions:
Focal segmental glomerulosclerosis 5 (FSGS5). Identifiers: Orphanet 656, MedGen C2750475, MONDO:0013191, OMIM 613237.
Charcot-Marie-Tooth disease dominant intermediate E. Also called: CHARCOT-MARIE-TOOTH NEUROPATHY WITH FOCAL SEGMENTAL GLOMERULONEPHRITIS. Identifiers: Orphanet 93114, MedGen C4302667, MONDO:0013758, OMIM 614455.

Submission:

Labcorp Genetics (formerly Invitae), Labcorp
Classification: Uncertain significance for Charcot-Marie-Tooth disease dominant intermediate E; Focal segmental glomerulosclerosis 5. Last evaluated: 2023-12-18. Review status: criteria provided, single submitter. Criteria: Invitae Variant Classification Sherloc (09022015). Collection method: clinical testing. Allele origin: germline.
Comment: This sequence change replaces proline, which is neutral and non-polar, with alanine, which is neutral and non-polar, at codon 424 of the INF2 protein (p.Pro424Ala). This variant is not present in population databases (gnomAD no frequency). This variant has not been reported in the literature in individuals affected with INF2-related conditions. Advanced modeling of protein sequence and biophysical properties (such as structural, functional, and spatial information, amino acid conservation, physicochemical variation, residue mobility, and thermodynamic stability) performed at Invitae indicates that this missense variant is not expected to disrupt INF2 protein function with a negative predictive value of 95%. In summary, the available evidence is currently insufficient to determine the role of this variant in disease. Therefore, it has been classified as a Variant of Uncertain Significance.